The following is an entry in ClinVar:

NM_014159.7(SETD2):c.2143A>G (p.Met715Val)

Gene: SETD2 (SET domain containing 2, histone lysine methyltransferase; minus strand). Cytogenetic location: 3p21.31.
Variant type: single nucleotide variant.
Coding change: c.2143A>G on transcript NM_014159.7 (MANE Select); coding-DNA position 2143, A replaced by G.
Protein change: p.Met715Val; replaces methionine 715 with valine.
Molecular consequence: missense variant. On other transcripts: non-coding transcript variant (1).
Genome position (GRCh38, 1-based): chr3:47,122,493, T>C on the plus strand (A>G on the coding strand, the complement: SETD2 is on the minus strand). VCF-style: chr3-47122493-T-C. GRCh37 (hg19) VCF-style: chr3-47163983-T-C.
Other names: c.2011A>G, p.Met671Val (NM_001349370.3); short protein forms M715V, M671V.
Identifiers: ClinVar variation 3716038 (VCV003716038.2).

ClinVar aggregate classification (germline): Uncertain significance (1 of 4 stars; one submission).

Conditions:
Luscan-Lumish syndrome. Identifiers: Orphanet 597738, MedGen C4085873, MONDO:0014791, OMIM 616831.

Submission:

Labcorp Genetics (formerly Invitae), Labcorp
Classification: Uncertain significance for Luscan-Lumish syndrome. Last evaluated: 2024-09-04. Review status: criteria provided, single submitter. Criteria: Invitae Variant Classification Sherloc (09022015). Collection method: clinical testing. Allele origin: germline.
Comment: This sequence change replaces methionine, which is neutral and non-polar, with valine, which is neutral and non-polar, at codon 715 of the SETD2 protein (p.Met715Val). This variant is not present in population databases (gnomAD no frequency). This variant has not been reported in the literature in individuals affected with SETD2-related conditions. Invitae Evidence Modeling of protein sequence and biophysical properties (such as structural, functional, and spatial information, amino acid conservation, physicochemical variation, residue mobility, and thermodynamic stability) indicates that this missense variant is not expected to disrupt SETD2 protein function with a negative predictive value of 80%. In summary, the available evidence is currently insufficient to determine the role of this variant in disease. Therefore, it has been classified as a Variant of Uncertain Significance.